The following is an entry in ClinVar:

ClinVar aggregate classification (germline): Uncertain significance (1 of 4 stars; one submission).

Submission:

Women's Health and Genetics/Laboratory Corporation of America, LabCorp
Classification: Uncertain significance. Last evaluated: 2025-06-12. Review status: criteria provided, single submitter. Criteria: LabCorp Variant Classification Summary - May 2015. Collection method: clinical testing. Allele origin: germline.
Comment: Variant summary: LRP5 c.2963A>T (p.Asp988Val) results in a non-conservative amino acid change in the encoded protein sequence. Algorithms developed to predict the effect of missense changes on protein structure and function all suggest that this variant is likely to be disruptive. The variant was absent in 251374 control chromosomes. The available data on variant occurrences in the general population are insufficient to allow any conclusion about variant significance. To our knowledge, no occurrence of c.2963A>T in individuals affected with Familial Exudative Vitreoretinopathy and no experimental evidence demonstrating its impact on protein function have been reported. No submitters have cited clinical-significance assessments for this variant to ClinVar. Based on the evidence outlined above, the variant was classified as uncertain significance.

NM_002335.4(LRP5):c.2963A>T (p.Asp988Val)

Gene: LRP5 (LDL receptor related protein 5; plus strand). Cytogenetic location: 11q13.2.
Variant type: single nucleotide variant.
Coding change: c.2963A>T on transcript NM_002335.4 (MANE Select); coding-DNA position 2963, A replaced by T.
Protein change: p.Asp988Val; replaces aspartic acid 988 with valine.
Molecular consequence: missense variant.
Genome position (GRCh38, 1-based): chr11:68,416,463, A>T. VCF-style: chr11-68416463-A-T. GRCh37 (hg19) VCF-style: chr11-68183931-A-T.
Other names: c.1220A>T, p.Asp407Val (NM_001291902.2); short protein forms D407V, D988V.
Identifiers: ClinVar variation 3907162 (VCV003907162.1).